The following is an entry in ClinVar:

NM_001048174.2(MUTYH):c.606+4A>G

Gene: MUTYH (mutY DNA glycosylase; minus strand). Cytogenetic location: 1p34.1.
Variant type: single nucleotide variant.
Coding change: c.606+4A>G on transcript NM_001048174.2 (MANE Select); 4 bases into the intron after coding-DNA position 606, A replaced by G.
Molecular consequence: intron variant.
Genome position (GRCh38, 1-based): chr1:45,332,570, T>C on the plus strand (A>G on the coding strand, the complement: MUTYH is on the minus strand). VCF-style: chr1-45332570-T-C. GRCh37 (hg19) VCF-style: chr1-45798242-T-C.
Other names: c.606+4A>G (NM_001407072.1, NM_001407073.1, NM_001048171.2 and 6 more transcripts); c.261+4A>G (NM_001350651.2, NM_001350650.2, NM_001407082.1); c.330+4A>G (NM_001293192.2, NM_001293196.2, NM_001407091.1); c.651+4A>G (NM_001293190.2); c.639+4A>G (NM_001407069.1, NM_001407077.1, NM_001293191.2); c.681+4A>G (NM_012222.3); c.690+4A>G (NM_001128425.2); c.609+4A>G (NM_001407071.1, NM_001048172.2, NM_001407078.1 and 1 more transcripts); and 5 more.
Identifiers: ClinVar variation 4717861 (VCV004717861.1).
Genomic context (GRCh38, chr1:45,332,570, plus strand): 5'-GTTAGCCTGGGCTGGGAGGAAGGAGGCTGGGCACGCACAAAGTGGGGGTGGGCTGTGAGA[T>C]CACCTGGCCAAAGGCGATAGAGGCAATGGCCCCAGCTGTGTAGCGCCCCACGCCAGGCAG-3'

ClinVar aggregate classification (germline): Uncertain significance (1 of 4 stars; one submission).

Conditions:
Familial adenomatous polyposis 2. Also called: FAP type 2; COLORECTAL ADENOMATOUS POLYPOSIS, AUTOSOMAL RECESSIVE; ADENOMAS, MULTIPLE COLORECTAL, AUTOSOMAL RECESSIVE; MYH-associated polyposis; MUTYH Polyposis; Adenomas, multiple colorectal. Identifiers: Orphanet 220460, Orphanet 247798, MedGen C3272841, MONDO:0012041, OMIM 608456.

Submission:

Labcorp Genetics (formerly Invitae), Labcorp
Classification: Uncertain significance for Familial adenomatous polyposis 2. Last evaluated: 2025-04-18. Review status: criteria provided, single submitter. Criteria: Invitae Variant Classification Sherloc (09022015). Collection method: clinical testing. Allele origin: germline.
Comment: This sequence change falls in intron 8 of the MUTYH gene. It does not directly change the encoded amino acid sequence of the MUTYH protein. It affects a nucleotide within the consensus splice site. This variant is present in population databases (no rsID available, gnomAD 0.0009%). This variant has not been reported in the literature in individuals affected with MUTYH-related conditions. Variants that disrupt the consensus splice site are a relatively common cause of aberrant splicing (PMID: 17576681, 9536098). Algorithms developed to predict the effect of sequence changes on RNA splicing suggest that this variant may disrupt the consensus splice site. In summary, the available evidence is currently insufficient to determine the role of this variant in disease. Therefore, it has been classified as a Variant of Uncertain Significance.

Literature cited by the submitters: PubMed 17576681; PubMed 9536098.